The following is an entry in ClinVar:

NM_000083.3(CLCN1):c.1879A>C (p.Thr627Pro)

Gene: CLCN1 (chloride voltage-gated channel 1; plus strand). Cytogenetic location: 7q34.
Variant type: single nucleotide variant.
Coding change: c.1879A>C on transcript NM_000083.3 (MANE Select); coding-DNA position 1879, A replaced by C.
Protein change: p.Thr627Pro; replaces threonine 627 with proline.
Molecular consequence: missense variant. On other transcripts: non-coding transcript variant (1).
Genome position (GRCh38, 1-based): chr7:143,342,454, A>C. VCF-style: chr7-143342454-A-C. GRCh37 (hg19) VCF-style: chr7-143039547-A-C.
Other names: short protein forms T627P.
Identifiers: ClinVar variation 2581418 (VCV002581418.4), dbSNP rs202231290, ClinGen allele CA4537502.

ClinVar aggregate classification (germline): Conflicting classifications of pathogenicity. Review status: criteria provided, conflicting classifications (1 of 4 stars). 2 submissions from 2 submitters: Likely pathogenic (1); Uncertain significance (1). Last evaluated 2025-11-26.

Conditions:
Congenital myotonia, autosomal dominant form (THD). Also called: THOMSEN DISEASE; Myotonia congenita autosomal dominant. Identifiers: Orphanet 614, MedGen C2936781, MONDO:0008055, OMIM 160800.
Congenital myotonia, autosomal recessive form. Also called: Becker Generalized Myotonia; myotonia congenita, autosomal recessive; BECKER DISEASE. Identifiers: Orphanet 614, MedGen C0751360, MONDO:0009715, OMIM 255700.

Allele frequency attached by ClinVar (database versions not stated): gnomAD exomes below 0.00001; gnomAD 0.00001; TOPMed 0.00001; ExAC 0.00002; 1000 Genomes Project 30x 0.00016; 1000 Genomes Project 0.00020.
gnomAD v4.1: 4 of 1,614,090 alleles (0.00025%); highest among the groups gnomAD compares: East Asian, 0.0067%; no homozygotes.

Submissions (2):

Labcorp Genetics (formerly Invitae), Labcorp
Classification: Likely pathogenic for Congenital myotonia, autosomal recessive form; Congenital myotonia, autosomal dominant form. Last evaluated: 2025-11-26. Review status: criteria provided, single submitter. Criteria: Invitae Variant Classification Sherloc (09022015). Collection method: clinical testing. Allele origin: germline.
Comment: This sequence change replaces threonine, which is neutral and polar, with proline, which is neutral and non-polar, at codon 627 of the CLCN1 protein (p.Thr627Pro). This variant is present in population databases (rs202231290, gnomAD 0.02%). This missense change has been observed in individual(s) with clinical features of autosomal recessive myotonia congenita (internal data). In at least one individual the data is consistent with being in trans (on the opposite chromosome) from a pathogenic variant. It has also been observed to segregate with disease in related individuals. ClinVar contains an entry for this variant (Variation ID: 2581418). Invitae Evidence Modeling of protein sequence and biophysical properties (such as structural, functional, and spatial information, amino acid conservation, physicochemical variation, residue mobility, and thermodynamic stability) indicates that this missense variant is not expected to disrupt CLCN1 protein function with a negative predictive value of 95%. In summary, the currently available evidence indicates that the variant is pathogenic, but additional data are needed to prove that conclusively. Therefore, this variant has been classified as Likely Pathogenic.

Women's Health and Genetics/Laboratory Corporation of America, LabCorp
Classification: Uncertain significance. Last evaluated: 2023-08-29. Review status: criteria provided, single submitter. Criteria: LabCorp Variant Classification Summary - May 2015. Collection method: clinical testing. Allele origin: germline.
Comment: Variant summary: CLCN1 c.1879A>C (p.Thr627Pro) results in a non-conservative amino acid change in the encoded protein sequence. Four of five in-silico tools predict a benign effect of the variant on protein function. The variant allele was found at a frequency of 1.2e-05 in 251486 control chromosomes. The available data on variant occurrences in the general population are insufficient to allow any conclusion about variant significance. c.1879A>C has been reported in the literature in at least one individual affected with Myotonia congenita (e.g. Hu_2021, Li_2022). However, these reports do not provide unequivocal conclusions about association of the variant with Myotonia congenita. To our knowledge, no experimental evidence demonstrating an impact on protein function has been reported. The following publications have been ascertained in the context of this evaluation (PMID: 34790634, 35170402). No submitters have cited clinical-significance assessments for this variant to ClinVar after 2014. Based on the evidence outlined above, the variant was classified as uncertain significance.

Literature cited by the submitters: PubMed 34790634 (cited by Women's Health and Genetics/Laboratory Corporation of America, LabCorp); PubMed 35170402 (cited by Women's Health and Genetics/Laboratory Corporation of America, LabCorp).